The following is an entry in ClinVar:

ClinVar aggregate classification (germline): Uncertain significance. Review status: criteria provided, multiple submitters, no conflicts (2 of 4 stars). 3 submissions from 3 submitters: Uncertain significance (3). Last evaluated 2024-12-10.

Conditions:
DiGeorge syndrome. Also called: Catch22; THIRD AND FOURTH PHARYNGEAL POUCH SYNDROME. Identifiers: Orphanet 567, MedGen C0012236, MONDO:0008564, OMIM 188400.
TBX1-related disorder. Also called: TBX1-related condition; TBX1-Related Disorders.

Allele frequency attached by ClinVar (database versions not stated): gnomAD exomes below 0.00001; ExAC 0.00001.
gnomAD v4.1: 1 of 1,614,242 alleles (0.000062%); highest among the groups gnomAD compares: East Asian, 0.0022%; no homozygotes.

Submissions (3):

PreventionGenetics, part of Exact Sciences
Classification: Uncertain significance for TBX1-related condition. Last evaluated: 2024-12-10. Review status: criteria provided, single submitter. Criteria: ACMG Guidelines, 2015. Collection method: clinical testing. Allele origin: germline.
Comment: The TBX1 c.793T>C variant is predicted to result in the amino acid substitution p.Phe265Leu. To our knowledge, this variant has not been reported in the literature. This variant is reported in 0.0054% of alleles in individuals of East Asian descent in gnomAD. At this time, the clinical significance of this variant is uncertain due to the absence of conclusive functional and genetic evidence.

Labcorp Genetics (formerly Invitae), Labcorp
Classification: Uncertain significance for DiGeorge syndrome. Last evaluated: 2024-10-16. Review status: criteria provided, single submitter. Criteria: Invitae Variant Classification Sherloc (09022015). Collection method: clinical testing. Allele origin: germline.
Comment: This sequence change replaces phenylalanine, which is neutral and non-polar, with leucine, which is neutral and non-polar, at codon 265 of the TBX1 protein (p.Phe265Leu). This variant is present in population databases (rs775979935, gnomAD 0.006%). This variant has not been reported in the literature in individuals affected with TBX1-related conditions. Invitae Evidence Modeling of protein sequence and biophysical properties (such as structural, functional, and spatial information, amino acid conservation, physicochemical variation, residue mobility, and thermodynamic stability) indicates that this missense variant is expected to disrupt TBX1 protein function with a positive predictive value of 80%. In summary, the available evidence is currently insufficient to determine the role of this variant in disease. Therefore, it has been classified as a Variant of Uncertain Significance.

Blueprint Genetics
Classification: Uncertain significance. Last evaluated: 2019-10-11. Review status: criteria provided, single submitter. Criteria: ACMG Guidelines, 2015. Collection method: clinical testing. Allele origin: germline.

NM_001379200.1(TBX1):c.820T>C (p.Phe274Leu)

Gene: TBX1 (T-box transcription factor 1; plus strand). Cytogenetic location: 22q11.21.
Variant type: single nucleotide variant.
Coding change: c.820T>C on transcript NM_001379200.1 (MANE Select); coding-DNA position 820, T replaced by C.
Protein change: p.Phe274Leu; replaces phenylalanine 274 with leucine.
Molecular consequence: missense variant.
Genome position (GRCh38, 1-based): chr22:19,765,066, T>C. VCF-style: chr22-19765066-T-C. GRCh37 (hg19) VCF-style: chr22-19752589-T-C.
Other names: c.793T>C, p.Phe265Leu (NM_005992.1, NM_080646.2, NM_080647.1); short protein forms F274L, F265L.
Identifiers: ClinVar variation 2916055 (VCV002916055.5), dbSNP rs775979935, ClinGen allele CA10102560.